The following is an entry in ClinVar:

NM_001371727.1(GABRB2):c.931G>T (p.Gly311Trp)

Gene: GABRB2 (gamma-aminobutyric acid type A receptor subunit beta2; minus strand). Cytogenetic location: 5q34.
Variant type: single nucleotide variant.
Coding change: c.931G>T on transcript NM_001371727.1 (MANE Select); coding-DNA position 931, G replaced by T.
Protein change: p.Gly311Trp; replaces glycine 311 with tryptophan.
Molecular consequence: missense variant.
Genome position (GRCh38, 1-based): chr5:161,331,029, C>A on the plus strand (G>T on the coding strand, the complement: GABRB2 is on the minus strand). VCF-style: chr5-161331029-C-A. GRCh37 (hg19) VCF-style: chr5-160758036-C-A.
Other names: c.931G>T, p.Gly311Trp (NM_000813.3, NM_021911.3); short protein forms G311W.
Identifiers: ClinVar variation 3635562 (VCV003635562.2).
Genomic context (GRCh38, chr5:161,331,029, plus strand): 5'-AGAAGATGTAGTTGACTAGGGCATATTCCAGAAGGGCCATGAAAACGAAGACAAAGCACC[C>A]CATCAGGTACATGTCAATGGCCTTCACATAGGGGATTTTAGGGAGAGTTTCCCGGAGGTG-3'
Protein context (NP_001358656.1, residues 301-321): YVKAIDMYLM[Gly311Trp]CFVFVFMALL

ClinVar aggregate classification (germline): Uncertain significance (1 of 4 stars; one submission).

Conditions:
Intellectual disability. Also called: Intellectual functioning disability; intellectual disabilities; Intellectual developmental disorder. Identifiers: MedGen C3714756, MeSH D008607, MONDO:0001071, HP:0001249.

Submission:

Labcorp Genetics (formerly Invitae), Labcorp
Classification: Uncertain significance for Intellectual disability. Last evaluated: 2024-08-29. Review status: criteria provided, single submitter. Criteria: Invitae Variant Classification Sherloc (09022015). Collection method: clinical testing. Allele origin: germline.
Comment: This sequence change replaces glycine, which is neutral and non-polar, with tryptophan, which is neutral and slightly polar, at codon 311 of the GABRB2 protein (p.Gly311Trp). This variant is not present in population databases (gnomAD no frequency). This variant has not been reported in the literature in individuals affected with GABRB2-related conditions. Invitae Evidence Modeling of protein sequence and biophysical properties (such as structural, functional, and spatial information, amino acid conservation, physicochemical variation, residue mobility, and thermodynamic stability) has been performed for this missense variant. However, the output from this modeling did not meet the statistical confidence thresholds required to predict the impact of this variant on GABRB2 protein function. In summary, the available evidence is currently insufficient to determine the role of this variant in disease. Therefore, it has been classified as a Variant of Uncertain Significance.